The following is an entry in ClinVar:

ClinVar aggregate classification (germline): Uncertain significance (1 of 4 stars; one submission).

Conditions:
VPS33B-related disorder. Also called: VPS33B-related condition.

gnomAD v4.1: 1 of 1,614,120 alleles (0.000062%); no homozygotes.

Submission:

PreventionGenetics, part of Exact Sciences
Classification: Uncertain significance for VPS33B-related condition. Last evaluated: 2025-11-28. Review status: criteria provided, single submitter. Criteria: ACMG Guidelines, 2015. Collection method: clinical testing. Allele origin: germline.
Comment: The VPS33B c.143C>G variant is predicted to result in the amino acid substitution p.Pro48Arg. To our knowledge, this variant has not been reported in the literature or in a large population database (gnomAD), indicating this variant is rare. At this time, the clinical significance of this variant is uncertain due to the absence of conclusive functional and genetic evidence.

NM_018668.5(VPS33B):c.143C>G (p.Pro48Arg)

Gene: VPS33B (VPS33B late endosome and lysosome associated; minus strand). Cytogenetic location: 15q26.1.
Variant type: single nucleotide variant.
Coding change: c.143C>G on transcript NM_018668.5 (MANE Select); coding-DNA position 143, C replaced by G.
Protein change: p.Pro48Arg; replaces proline 48 with arginine.
Molecular consequence: missense variant. On other transcripts: 5 prime UTR variant (1), intron variant (1).
Genome position (GRCh38, 1-based): chr15:91,017,839, G>C on the plus strand (C>G on the coding strand, the complement: VPS33B is on the minus strand). VCF-style: chr15-91017839-G-C. GRCh37 (hg19) VCF-style: chr15-91561069-G-C.
Other names: c.-69C>G (NM_001289149.1); c.97-815C>G (NM_001289148.1); short protein forms P48R.
Identifiers: ClinVar variation 4993442 (VCV004993442.1).